The following is an entry in ClinVar:

NM_014467.3(SRPX2):c.371C>T (p.Ala124Val)

Gene: SRPX2 (sushi repeat containing protein X-linked 2; plus strand). Cytogenetic location: Xq22.1.
Variant type: single nucleotide variant.
Coding change: c.371C>T on transcript NM_014467.3 (MANE Select); coding-DNA position 371, C replaced by T.
Protein change: p.Ala124Val; replaces alanine 124 with valine.
Molecular consequence: missense variant.
Genome position (GRCh38, 1-based): chrX:100,664,789, C>T. VCF-style: chrX-100664789-C-T. GRCh37 (hg19) VCF-style: chrX-99919786-C-T.
Other names: short protein forms A124V.
Identifiers: ClinVar variation 1007485 (VCV001007485.11), dbSNP rs1277274875, ClinGen allele CA413931854.

ClinVar aggregate classification (germline): Uncertain significance (1 of 4 stars; one submission).

Conditions:
Rolandic epilepsy, impaired intellectual development, and speech dyspraxia, X-linked. Also called: Rolandic epilepsy, impaired intellectual development, and speech dyspraxia; Rolandic epilepsy, intellectual disability, and speech dyspraxia, X-linked. Identifiers: MedGen C1845070, MONDO:0010388, OMIM 300643.

Allele frequency attached by ClinVar (database versions not stated): gnomAD exomes below 0.00001 and 0.00001; TOPMed 0.00001.
gnomAD v4.1: 5 of 1,205,877 alleles (0.00041%); highest among the groups gnomAD compares: South Asian, 0.0036%; no homozygotes.

Submission:

Labcorp Genetics (formerly Invitae), Labcorp
Classification: Uncertain significance for Rolandic epilepsy, impaired intellectual development, and speech dyspraxia, X-linked. Last evaluated: 2022-11-28. Review status: criteria provided, single submitter. Criteria: Invitae Variant Classification Sherloc (09022015). Collection method: clinical testing. Allele origin: germline.
Comment: In summary, the available evidence is currently insufficient to determine the role of this variant in disease. Therefore, it has been classified as a Variant of Uncertain Significance. This sequence change replaces alanine, which is neutral and non-polar, with valine, which is neutral and non-polar, at codon 124 of the SRPX2 protein (p.Ala124Val). The frequency data for this variant in the population databases is considered unreliable, as metrics indicate poor data quality at this position in the gnomAD database. This variant has not been reported in the literature in individuals affected with SRPX2-related conditions. ClinVar contains an entry for this variant (Variation ID: 1007485). Advanced modeling of protein sequence and biophysical properties (such as structural, functional, and spatial information, amino acid conservation, physicochemical variation, residue mobility, and thermodynamic stability) performed at Invitae indicates that this missense variant is not expected to disrupt SRPX2 protein function.